The following is an entry in ClinVar:

ClinVar aggregate classification (germline): Uncertain significance (1 of 4 stars; one submission).

Submission:

Labcorp Genetics (formerly Invitae), Labcorp
Classification: Uncertain significance. Last evaluated: 2022-11-22. Review status: criteria provided, single submitter. Criteria: Invitae Variant Classification Sherloc (09022015). Collection method: clinical testing. Allele origin: germline.
Comment: This sequence change replaces glycine, which is neutral and non-polar, with tryptophan, which is neutral and slightly polar, at codon 67 of the WNT2B protein (p.Gly67Trp). In summary, the available evidence is currently insufficient to determine the role of this variant in disease. Therefore, it has been classified as a Variant of Uncertain Significance. Algorithms developed to predict the effect of missense changes on protein structure and function are either unavailable or do not agree on the potential impact of this missense change (SIFT: "Deleterious"; PolyPhen-2: "Probably Damaging"; Align-GVGD: "Class C15"). This variant has not been reported in the literature in individuals affected with WNT2B-related conditions. This variant is not present in population databases (gnomAD no frequency).

NM_024494.3(WNT2B):c.199G>T (p.Gly67Trp)

Gene: WNT2B (Wnt family member 2B; plus strand). Cytogenetic location: 1p13.2.
Variant type: single nucleotide variant.
Coding change: c.199G>T on transcript NM_024494.3 (MANE Select); coding-DNA position 199, G replaced by T.
Protein change: p.Gly67Trp; replaces glycine 67 with tryptophan.
Molecular consequence: missense variant. On other transcripts: 5 prime UTR variant (1).
Genome position (GRCh38, 1-based): chr1:112,514,890, G>T. VCF-style: chr1-112514890-G-T. GRCh37 (hg19) VCF-style: chr1-113057512-G-T.
Other names: c.-78G>T (NM_001291880.1); c.142G>T, p.Gly48Trp (NM_004185.4); short protein forms G67W, G48W.
Identifiers: ClinVar variation 2112949 (VCV002112949.4), dbSNP rs2526494939, ClinGen allele CA341652494.